The following is an entry in ClinVar:

ClinVar aggregate classification (germline): Uncertain significance. Review status: criteria provided, multiple submitters, no conflicts (2 of 4 stars). 2 submissions from 2 submitters: Uncertain significance (2). Last evaluated 2024-11-05.

Conditions:
Hypertrophic cardiomyopathy. Also called: HYPERTROPHIC MYOCARDIOPATHY. Identifiers: Orphanet 217569, MedGen C0007194, MeSH D002312, MONDO:0005045, HP:0001639.
Primary dilated cardiomyopathy (DCM). Also called: Dilated Cardiomyopathy. Identifiers: Orphanet 217604, MedGen C0007193, MeSH D002311, MONDO:0005021, HP:0001644. Inheritance: Various modes of inheritance.

Allele frequency attached by ClinVar (database versions not stated): gnomAD below 0.00001 and 0.00002; gnomAD exomes 0.00004 and 0.00009; ExAC 0.00011; 1000 Genomes Project 0.00020; 1000 Genomes Project 30x 0.00031.

Submissions (2):

Ambry Genetics
Classification: Uncertain significance. Last evaluated: 2024-11-05. Review status: criteria provided, single submitter. Criteria: Ambry Variant Classification Scheme 2023. Collection method: clinical testing. Allele origin: germline.
Comment: The p.M178T variant (also known as c.533T>C), located in coding exon 5 of the PDLIM3 gene, results from a T to C substitution at nucleotide position 533. The methionine at codon 178 is replaced by threonine, an amino acid with similar properties. This amino acid position is conserved. In addition, this alteration is predicted to be tolerated by in silico analysis. Based on the available evidence, the clinical significance of this variant remains unclear.

Labcorp Genetics (formerly Invitae), Labcorp
Classification: Uncertain significance for Hypertrophic cardiomyopathy; Primary dilated cardiomyopathy. Last evaluated: 2020-03-04. Review status: criteria provided, single submitter. Criteria: Invitae Variant Classification Sherloc (09022015). Collection method: clinical testing. Allele origin: germline.
Comment: This sequence change replaces methionine with threonine at codon 178 of the PDLIM3 protein (p.Met178Thr). The methionine residue is highly conserved and there is a moderate physicochemical difference between methionine and threonine. In summary, the available evidence is currently insufficient to determine the role of this variant in disease. Therefore, it has been classified as a Variant of Uncertain Significance. Algorithms developed to predict the effect of missense changes on protein structure and function are either unavailable or do not agree on the potential impact of this missense change (SIFT: "Deleterious"; PolyPhen-2: "Benign"; Align-GVGD: "Class C0"). This variant has not been reported in the literature in individuals with PDLIM3-related conditions. ClinVar contains an entry for this variant (Variation ID: 454477). This variant is present in population databases (rs566270712, ExAC 0.08%), and has an allele count higher than expected for a pathogenic variant (PMID: 28166811).

Literature cited by the submitters: PubMed 28166811 (cited by Labcorp Genetics (formerly Invitae), Labcorp).

NM_014476.6(PDLIM3):c.533T>C (p.Met178Thr)

Gene: PDLIM3 (PDZ and LIM domain 3; minus strand). Cytogenetic location: 4q35.1.
Variant type: single nucleotide variant.
Coding change: c.533T>C on transcript NM_014476.6 (MANE Select); coding-DNA position 533, T replaced by C.
Protein change: p.Met178Thr; replaces methionine 178 with threonine.
Molecular consequence: missense variant. On other transcripts: intron variant (3).
Genome position (GRCh38, 1-based): chr4:185,508,428, A>G on the plus strand (T>C on the coding strand, the complement: PDLIM3 is on the minus strand). VCF-style: chr4-185508428-A-G. GRCh37 (hg19) VCF-style: chr4-186429582-A-G.
Other names: c.533T>C (NM_014476.4); c.162-1776T>C (NM_001257963.2); c.399-1776T>C (NM_001257962.2); c.519-1776T>C (NM_001114107.5); short protein forms M178T.
Identifiers: ClinVar variation 454477 (VCV000454477.10), dbSNP rs566270712, ClinGen allele CA3159761.
Genomic context (GRCh38, chr4:185,508,428, plus strand): 5'-GAGTACAACTGCATAGGTGTATTAAACTGAGCATGTACAATCTTCACACCAGGAAGTTCC[A>G]TTTCCAAAGGAATGTTAGGGGCCAGCTTAGCCGCAACTTTCAAGTCACCTGGGCAAATGG-3'
Protein context (NP_055291.2, residues 168-188): AKLAPNIPLE[Met178Thr]ELPGVKIVHA